The following is an entry in ClinVar:

ClinVar aggregate classification (germline): Uncertain significance. Review status: criteria provided, multiple submitters, no conflicts (2 of 4 stars). 3 submissions from 3 submitters: Uncertain significance (2). 1 of the submissions does not count toward it. Last evaluated 2022-08-15.

Conditions:
Sphingolipid activator protein 1 deficiency. Also called: METACHROMATIC LEUKODYSTROPHY DUE TO CEREBROSIDE SULFATASE ACTIVATOR DEFICIENCY; Metachromatic leukodystrophy due to saposin B deficiency; Saposin B Deficiency. Identifiers: Orphanet 512, MedGen C0268262, MONDO:0009590, OMIM 249900.
Metachromatic leukodystrophy (MLD). Also called: METACHROMATIC LEUKOENCEPHALOPATHY; ARSA DEFICIENCY; CEREBROSIDE SULFATASE DEFICIENCY; Arylsulfatase A Deficiency; Cerebral sclerosis diffuse metachromatic form; SULFATIDE LIPIDOSIS. Identifiers: Orphanet 512, MedGen C0023522, MONDO:0018868, OMIM 250100.

Allele frequency attached by ClinVar (database versions not stated): ExAC 0.00002; gnomAD exomes 0.00002; TOPMed 0.00002.

Submissions (3):

Labcorp Genetics (formerly Invitae), Labcorp
Classification: Uncertain significance for Sphingolipid activator protein 1 deficiency. Last evaluated: 2022-08-15. Review status: criteria provided, single submitter. Criteria: Invitae Variant Classification Sherloc (09022015). Collection method: clinical testing. Allele origin: germline.
Comment: This sequence change replaces glutamic acid, which is acidic and polar, with lysine, which is basic and polar, at codon 139 of the PSAP protein (p.Glu139Lys). This variant is present in population databases (rs753606836, gnomAD 0.03%). This variant has not been reported in the literature in individuals affected with PSAP-related conditions. ClinVar contains an entry for this variant (Variation ID: 650590). Algorithms developed to predict the effect of missense changes on protein structure and function output the following: SIFT: "Not Available"; PolyPhen-2: "Benign"; Align-GVGD: "Not Available". The lysine amino acid residue is found in multiple mammalian species, which suggests that this missense change does not adversely affect protein function. In summary, the available evidence is currently insufficient to determine the role of this variant in disease. Therefore, it has been classified as a Variant of Uncertain Significance.

Blueprint Genetics
Classification: Uncertain significance. Last evaluated: 2018-10-27. Review status: criteria provided, single submitter. Criteria: ACMG Guidelines, 2015. Collection method: clinical testing. Allele origin: germline.

Natera, Inc.
Classification: Uncertain significance for Metachromatic leukodystrophy. Last evaluated: 2020-04-11. Review status: no assertion criteria provided. Collection method: clinical testing. Allele origin: germline. Not counted in ClinVar's aggregate classification.

NM_002778.4(PSAP):c.415G>A (p.Glu139Lys)

Gene: PSAP (prosaposin; minus strand). Cytogenetic location: 10q22.1.
Variant type: single nucleotide variant.
Coding change: c.415G>A on transcript NM_002778.4 (MANE Select); coding-DNA position 415, G replaced by A.
Protein change: p.Glu139Lys; replaces glutamic acid 139 with lysine.
Molecular consequence: missense variant.
Genome position (GRCh38, 1-based): chr10:71,829,038, C>T on the plus strand (G>A on the coding strand, the complement: PSAP is on the minus strand). VCF-style: chr10-71829038-C-T. GRCh37 (hg19) VCF-style: chr10-73588795-C-T.
Other names: c.415G>A, p.Glu139Lys (NM_001042465.3, NM_001042466.3); short protein forms E139K.
Identifiers: ClinVar variation 650590 (VCV000650590.6), dbSNP rs753606836, ClinGen allele CA5547772.